The following is an entry in ClinVar:

NM_018896.5(CACNA1G):c.769C>T (p.Arg257Cys)

Gene: CACNA1G (calcium voltage-gated channel subunit alpha1 G; plus strand). Cytogenetic location: 17q21.33.
Variant type: single nucleotide variant.
Coding change: c.769C>T on transcript NM_018896.5 (MANE Select); coding-DNA position 769, C replaced by T.
Protein change: p.Arg257Cys; replaces arginine 257 with cysteine.
Molecular consequence: missense variant. On other transcripts: non-coding transcript variant (5).
Genome position (GRCh38, 1-based): chr17:50,572,576, C>T. VCF-style: chr17-50572576-C-T. GRCh37 (hg19) VCF-style: chr17-48649937-C-T.
Other names: p.Arg257Cys; c.769C>T, p.Arg257Cys (NM_001256328.2, NM_001256329.2, NM_001256330.2 and 24 more transcripts); short protein forms R257C.
Identifiers: ClinVar variation 4542198 (VCV004542198.1).

ClinVar aggregate classification (germline): Uncertain significance (1 of 4 stars; one submission).

Submission:

Mayo Clinic Laboratories, Mayo Clinic
Classification: Uncertain significance. Last evaluated: 2025-06-25. Review status: criteria provided, single submitter. Criteria: ACMG Guidelines, 2015. Collection method: clinical testing. Allele origin: germline. Observed: 1 variant allele.
Comment: BS2